The following is an entry in ClinVar:

ClinVar aggregate classification (germline): Uncertain significance (1 of 4 stars; one submission).

Conditions:
Costello syndrome (CSTLO). Also called: FCS SYNDROME; FACIOCUTANEOSKELETAL SYNDROME; HRAS-Related Costello Syndrome. Identifiers: Orphanet 3071, MedGen C0587248, MONDO:0009026, OMIM 218040.

Submission:

Labcorp Genetics (formerly Invitae), Labcorp
Classification: Uncertain significance for Costello syndrome. Last evaluated: 2021-10-23. Review status: criteria provided, single submitter. Criteria: Invitae Variant Classification Sherloc (09022015). Collection method: clinical testing. Allele origin: germline.
Comment: In summary, the available evidence is currently insufficient to determine the role of this variant in disease. Therefore, it has been classified as a Variant of Uncertain Significance. Advanced modeling of protein sequence and biophysical properties (such as structural, functional, and spatial information, amino acid conservation, physicochemical variation, residue mobility, and thermodynamic stability) performed at Invitae indicates that this missense variant is not expected to disrupt HRAS protein function. This variant has not been reported in the literature in individuals affected with HRAS-related conditions. This variant is not present in population databases (ExAC no frequency). This sequence change replaces aspartic acid with glutamic acid at codon 33 of the HRAS protein (p.Asp33Glu). The aspartic acid residue is highly conserved and there is a small physicochemical difference between aspartic acid and glutamic acid.

NM_005343.4(HRAS):c.99C>A (p.Asp33Glu)

Genes: HRAS (HRas proto-oncogene, GTPase; minus strand), LRRC56 (leucine rich repeat containing 56; plus strand). Cytogenetic location: 11p15.5.
Variant type: single nucleotide variant.
Coding change: c.99C>A on transcript NM_005343.4 (MANE Select); coding-DNA position 99, C replaced by A.
Protein change: p.Asp33Glu; replaces aspartic acid 33 with glutamic acid.
Molecular consequence: missense variant. On other transcripts: 5 prime UTR variant (1).
Genome position (GRCh38, 1-based): chr11:534,224, G>T on the plus strand (C>A on the coding strand, the complement: HRAS is on the minus strand). VCF-style: chr11-534224-G-T. GRCh37 (hg19) VCF-style: chr11-534224-G-T.
Other names: c.99C>A, p.Asp33Glu (NM_001130442.3, NM_176795.5); c.-221C>A (NM_001318054.2); short protein forms D33E.
Identifiers: ClinVar variation 1388881 (VCV001388881.6), dbSNP rs756934316, ClinGen allele CA378924972.